The following is an entry in ClinVar:

NM_001393769.1(MED12L):c.4073T>G (p.Leu1358Arg)

Genes: MED12L (mediator complex subunit 12L; plus strand), P2RY12 (purinergic receptor P2Y12; minus strand). Cytogenetic location: 3q25.1.
Variant type: single nucleotide variant.
Coding change: c.4073T>G on transcript NM_001393769.1 (MANE Select); coding-DNA position 4073, T replaced by G.
Protein change: p.Leu1358Arg; replaces leucine 1358 with arginine.
Molecular consequence: missense variant. On other transcripts: intron variant (1).
Genome position (GRCh38, 1-based): chr3:151,376,819, T>G. VCF-style: chr3-151376819-T-G. GRCh37 (hg19) VCF-style: chr3-151094607-T-G.
Other names: c.3968T>G, p.Leu1323Arg (NM_053002.6); c.-180+7873A>C (NM_022788.5); short protein forms L1323R, L1358R.
Identifiers: ClinVar variation 3769112 (VCV003769112.2).

ClinVar aggregate classification (germline): Uncertain significance (1 of 4 stars; one submission).

Submission:

Women's Health and Genetics/Laboratory Corporation of America, LabCorp
Classification: Uncertain significance. Last evaluated: 2025-01-30. Review status: criteria provided, single submitter. Criteria: LabCorp Variant Classification Summary - May 2015. Collection method: clinical testing. Allele origin: germline.
Comment: Variant summary: MED12L c.3968T>G (p.Leu1323Arg) results in a non-conservative amino acid change in the encoded protein sequence. Five of five in-silico tools predict a damaging effect of the variant on protein function. The variant was absent in 251112 control chromosomes. The available data on variant occurrences in the general population are insufficient to allow any conclusion about variant significance. To our knowledge, no occurrence of c.3968T>G in individuals affected with Nizon-Isidor Syndrome and no experimental evidence demonstrating its impact on protein function have been reported. No submitters have cited clinical-significance assessments for this variant to ClinVar. Based on the evidence outlined above, the variant was classified as uncertain significance.